The following is an entry in ClinVar:

ClinVar aggregate classification (germline): Benign/Likely benign. Review status: criteria provided, multiple submitters, no conflicts (2 of 4 stars). 2 submissions from 2 submitters: Benign (1); Likely benign (1). Last evaluated 2026-01-01.

Allele frequency attached by ClinVar (database versions not stated): TOPMed 0.00033; ESP Exome Variant Server 0.00039; gnomAD 0.00046; 1000 Genomes Project 30x 0.00047; 1000 Genomes Project 0.00060; gnomAD exomes 0.00071 and 0.00094; ExAC 0.00104.
gnomAD v4.1: 1,019 of 1,489,756 alleles (0.068%); highest among the groups gnomAD compares: Non-Finnish European, 0.068%; no homozygotes.

Submissions (2):

CeGaT Center for Human Genetics Tuebingen
Classification: Likely benign. Last evaluated: 2026-01-01. Review status: criteria provided, single submitter. Criteria: CeGaT Center For Human Genetics Tuebingen Variant Classification Criteria Version 2. Collection method: clinical testing. Allele origin: germline. Affected: yes. Observed: 1 variant allele.
Comment: SOCS1: BP4, BP7

Labcorp Genetics (formerly Invitae), Labcorp
Classification: Benign. Last evaluated: 2018-08-10. Review status: criteria provided, single submitter. Criteria: Invitae Variant Classification Sherloc (09022015). Collection method: clinical testing. Allele origin: germline.

NM_003745.2(SOCS1):c.564C>T (p.Arg188=)

Genes: SOCS1 (suppressor of cytokine signaling 1; minus strand), LOC130058478 (ATAC-STARR-seq lymphoblastoid silent region 7197; plus strand). Cytogenetic location: 16p13.13.
Variant type: single nucleotide variant.
Coding change: c.564C>T on transcript NM_003745.2 (MANE Select); coding-DNA position 564, C replaced by T.
Protein change: p.Arg188=; no amino-acid change (arginine 188 retained).
Molecular consequence: synonymous variant.
Genome position (GRCh38, 1-based): chr16:11,254,915, G>A on the plus strand (C>T on the coding strand, the complement: SOCS1 is on the minus strand). VCF-style: chr16-11254915-G-A. GRCh37 (hg19) VCF-style: chr16-11348772-G-A.
Identifiers: ClinVar variation 721574 (VCV000721574.7), dbSNP rs201368715, ClinGen allele CA7902220.